The following is an entry in ClinVar:

NM_000157.4(GBA1):c.1505+2T>A

Genes: GBA1 (glucosylceramidase beta 1; minus strand), LOC106627981 (GBA recombination region; plus strand). Cytogenetic location: 1q22.
Variant type: single nucleotide variant.
Coding change: c.1505+2T>A on transcript NM_000157.4 (MANE Select); the canonical splice donor site of the intron after coding-DNA position 1505, T replaced by A.
Molecular consequence: splice donor variant.
Genome position (GRCh38, 1-based): chr1:155,235,193, A>T on the plus strand (T>A on the coding strand, the complement: GBA1 is on the minus strand). VCF-style: chr1-155235193-A-T. GRCh37 (hg19) VCF-style: chr1-155204984-A-T.
Other names: c.1244+2T>A (NM_001171811.2); c.1505+2T>A (NM_001005742.3, NM_001005741.3, NM_000157.3); c.1358+2T>A (NM_001171812.2).
Identifiers: ClinVar variation 1698566 (VCV001698566.3), dbSNP rs2148070287, ClinGen allele CA342710731.

ClinVar aggregate classification (germline): Pathogenic/Likely pathogenic. Review status: criteria provided, multiple submitters, no conflicts (2 of 4 stars). 2 submissions from 2 submitters: Pathogenic (1); Likely pathogenic (1). Last evaluated 2025-02-25.

Conditions:
Gaucher disease. Also called: Acute cerebral Gaucher disease; Cerebroside lipidosis syndrome; Gaucher splenomegaly; Sphingolipidosis 1; Glucocerebrosidosis; Glucosylceramidase deficiency. Identifiers: Orphanet 355, MedGen C0017205, MONDO:0018150.

Submissions (2):

Natera, Inc.
Classification: Pathogenic for Gaucher disease. Last evaluated: 2025-02-25. Review status: criteria provided, single submitter. Criteria: Natera Variant Classification Schema (03/2026). Collection method: clinical testing. Allele origin: germline.
Comment: The c.1505+2T>A variant in GBA1 is a canonical splice donor site variant predicted to affect pre-mRNA splicing, which may result in an abnormal transcript and altered protein product. This variant is expected to result in nonsense mediated decay, truncation, or a dysfunctional protein product. This variant is rare in the general population with a frequency below the threshold expected for the associated phenotype(s). This variant has been observed in one or more individuals affected with the associated recessive disease, as either homozygous or compound heterozygous with a second variant (PMID: 11933202, 21704274). Given the available evidence, this variant is classified as Pathogenic.

Women's Health and Genetics/Laboratory Corporation of America, LabCorp
Classification: Likely pathogenic for Gaucher disease. Last evaluated: 2022-06-15. Review status: criteria provided, single submitter. Criteria: LabCorp Variant Classification Summary - May 2015. Collection method: clinical testing. Allele origin: germline.
Comment: Variant summary: GBA c.1505+2T>A is located in a canonical splice-site and is predicted to affect mRNA splicing resulting in a significantly altered protein due to either exon skipping, shortening, or inclusion of intronic material. Several computational tools predict a significant impact on normal splicing: four predict the variant abolishes a 5' splicing donor site. However, these predictions have yet to be confirmed by functional studies. The variant was absent in 251170 control chromosomes (gnomAD). c.1505+2T>A has been reported in the literature in individuals affected with Gaucher Disease (Orvisky_2002, Velayati_2011). These data indicate that the variant may be associated with disease. To our knowledge, no experimental evidence demonstrating an impact on protein function has been reported. No clinical diagnostic laboratories have submitted clinical-significance assessments for this variant to ClinVar after 2014. Based on the evidence outlined above, the variant was classified as likely pathogenic.

Literature cited by the submitters: PubMed 11933202 (cited by Natera, Inc. and Women's Health and Genetics/Laboratory Corporation of America, LabCorp); PubMed 21704274 (cited by Natera, Inc. and Women's Health and Genetics/Laboratory Corporation of America, LabCorp); PubMed 18338393 (cited by Women's Health and Genetics/Laboratory Corporation of America, LabCorp); PubMed 16185900 (cited by Women's Health and Genetics/Laboratory Corporation of America, LabCorp).